The following is an entry in ClinVar:

NM_003722.5(TP63):c.580-11A>T

Gene: TP63 (tumor protein p63; plus strand). Cytogenetic location: 3q28.
Variant type: single nucleotide variant.
Coding change: c.580-11A>T on transcript NM_003722.5 (MANE Select); 11 bases into the intron before coding-DNA position 580, A replaced by T.
Molecular consequence: intron variant.
Genome position (GRCh38, 1-based): chr3:189,864,221, A>T. VCF-style: chr3-189864221-A-T. GRCh37 (hg19) VCF-style: chr3-189582010-A-T.
Other names: c.574-11A>T (NM_001329964.2); c.580-11A>T (NM_001114978.2, NM_001329144.2, NM_001329148.2 and 1 more transcripts); c.298-11A>T (NM_001114980.2, NM_001114981.2, NM_001329145.2 and 2 more transcripts); c.43-11A>T (NM_001329146.2, NM_001329150.2).
Identifiers: ClinVar variation 1049484 (VCV001049484.10), dbSNP rs148217164, ClinGen allele CA2752208.
Genomic context (GRCh38, chr3:189,864,221, plus strand): 5'-TGATTTGGAATGTAACAATATCTCCTGTTGGTTCTCTCCTTCCTTTCTCCACTGGCCCCA[A>T]CTCTAAGCAGTATTCCACTGAACTGAAGAAACTCTACTGCCAAATTGCAAAGACATGCCC-3'

ClinVar aggregate classification (germline): Benign/Likely benign. Review status: criteria provided, multiple submitters, no conflicts (2 of 4 stars). 4 submissions from 4 submitters: Benign (2); Likely benign (1). 1 of the submissions does not count toward it. Last evaluated 2025-01-23.

Conditions:
TP63-Related Spectrum Disorders.

Allele frequency attached by ClinVar (database versions not stated): gnomAD exomes 0.00013 and 0.00029; ExAC 0.00038; gnomAD 0.00122 and 0.00131; 1000 Genomes Project 0.00140; TOPMed 0.00148; 1000 Genomes Project 30x 0.00187; ESP Exome Variant Server 0.00215.
gnomAD v4.1: 380 of 1,614,086 alleles (0.024%); highest among the groups gnomAD compares: African/African-American, 0.46%; 2 homozygotes.

Submissions (4):

Labcorp Genetics (formerly Invitae), Labcorp
Classification: Benign. Last evaluated: 2025-01-23. Review status: criteria provided, single submitter. Criteria: Invitae Variant Classification Sherloc (09022015). Collection method: clinical testing. Allele origin: germline.

Blueprint Genetics
Classification: Likely benign. Last evaluated: 2024-10-08. Review status: criteria provided, single submitter. Criteria: ACMG Guidelines, 2015. Collection method: clinical testing. Allele origin: germline.

GeneDx
Classification: Benign. Last evaluated: 2021-07-24. Review status: criteria provided, single submitter. Criteria: GeneDx Variant Classification Process June 2021. Collection method: clinical testing. Allele origin: germline. Affected: yes.

Department of Pathology and Laboratory Medicine, Sinai Health System
Classification: Likely benign. Review status: no assertion criteria provided. Collection method: clinical testing. Allele origin: unknown. Affected: yes. Study: The Canadian Open Genetics Repository (COGR). Not counted in ClinVar's aggregate classification.
Comment: The TP63 c.574-11A>T variant was not identified in the literature nor was it identified in ClinVar, Cosmic or LOVD 3.0. The variant was identified in dbSNP (ID: rs148217164) and in control databases in 99 of 282638 chromosomes at a frequency of 0.00035 (Genome Aggregation Database Feb 27, 2017). The variant was observed in the following populations: African in 95 of 24962 chromosomes (freq: 0.003806), Latino in 3 of 35438 chromosomes (freq: 0.000085) and European (non-Finnish) in 1 of 128962 chromosomes (freq: 0.000008); it was not observed in the Ashkenazi Jewish, East Asian, European (Finnish), Other or South Asian populations. The c.574-11A>T variant is not expected to have clinical significance because it does not result in a change of amino acid and is not located in a known consensus splice site. In addition, only 2 of 4 in silico or computational prediction software programs (MaxEntScan, GeneSplicer) predict a greater than 10% difference in splicing. In summary, based on the above information the clinical significance of this variant cannot be determined with certainty at this time although we would lean towards a more benign role for this variant. This variant is classified as likely benign.